The following is an entry in ClinVar:

ClinVar aggregate classification (germline): Uncertain significance (1 of 4 stars; one submission).

Conditions:
Fanconi anemia (FA). Also called: Fanconi's anemia. Identifiers: Orphanet 84, MedGen C0015625, MeSH D005199, MONDO:0019391.

Submission:

Labcorp Genetics (formerly Invitae), Labcorp
Classification: Uncertain significance for Fanconi anemia. Last evaluated: 2021-08-03. Review status: criteria provided, single submitter. Criteria: Invitae Variant Classification Sherloc (09022015). Collection method: clinical testing. Allele origin: germline.
Comment: This variant, c.2404_2406del, results in the deletion of 1 amino acid(s) of the SLX4 protein (p.Glu802del), but otherwise preserves the integrity of the reading frame. This variant is not present in population databases (ExAC no frequency). In summary, the available evidence is currently insufficient to determine the role of this variant in disease. Therefore, it has been classified as a Variant of Uncertain Significance. Experimental studies and prediction algorithms are not available or were not evaluated, and the functional significance of this variant is currently unknown. This variant has not been reported in the literature in individuals affected with SLX4-related conditions.

NM_032444.4(SLX4):c.2401GAG[1] (p.Glu802del)

Gene: SLX4 (SLX4 structure-specific endonuclease subunit; minus strand). Cytogenetic location: 16p13.3.
Variant type: Microsatellite.
Coding change: c.2401GAG[1] on transcript NM_032444.4 (MANE Select); one copy of the 3-base unit GAG starting at c.2401; the reference has two copies in a row; one copy, 3 bases deleted.
Protein change: p.Glu802del; deletes glutamic acid 802.
Molecular consequence: inframe deletion.
Genome position (GRCh38, 1-based): chr16:3,591,232-3,591,234, CTC deleted on the plus strand (GAG on the coding strand, the reverse complement: SLX4 is on the minus strand); deleting any 3 consecutive bases within chr16:3,591,232-3,591,238 gives the same sequence; the position shown is the placement nearest the transcript's 3' end. VCF-style (leftmost placement, unchanged base first): chr16-3591231-TCTC-T. GRCh37 (hg19) VCF-style: chr16-3641232-TCTC-T.
Other names: short protein forms E802del.
Identifiers: ClinVar variation 1494114 (VCV001494114.6), dbSNP rs2151125964, ClinGen allele CA2580613410.